The following is an entry in ClinVar:

ClinVar aggregate classification (germline): Uncertain significance. Review status: criteria provided, multiple submitters, no conflicts (2 of 4 stars). 3 submissions from 3 submitters: Uncertain significance (3). Last evaluated 2026-04-09.

Conditions:
Renal cell carcinoma. Identifiers: Orphanet 217071, MedGen C0007134, MeSH D002292, MONDO:0005086, HP:0005584.
Autosomal recessive nonsyndromic hearing loss 97. Also called: Deafness, autosomal recessive 97. Identifiers: Orphanet 90636, MedGen C4084709, MONDO:0014739, OMIM 616705.
Hereditary cancer-predisposing syndrome. Also called: Neoplastic Syndromes, Hereditary; Hereditary neoplastic syndrome; Hereditary Cancer Syndrome; Tumor predisposition. Identifiers: Orphanet 140162, MedGen C0027672, MeSH D009386, MONDO:0015356.

Submissions (3):

Ambry Genetics
Classification: Uncertain significance for Hereditary cancer-predisposing syndrome. Last evaluated: 2026-04-09. Review status: criteria provided, single submitter. Criteria: Ambry Variant Classification Scheme 2023. Collection method: clinical testing. Allele origin: germline.
Comment: The p.S487T variant (also known as c.1459T>A), located in coding exon 3 of the MET gene, results from a T to A substitution at nucleotide position 1459. The serine at codon 487 is replaced by threonine, an amino acid with similar properties. This amino acid position is highly conserved in available vertebrate species. In addition, this alteration is predicted to be tolerated by in silico analysis. Since supporting evidence is limited at this time, the clinical significance of this alteration remains unclear.

Labcorp Genetics (formerly Invitae), Labcorp
Classification: Uncertain significance for Renal cell carcinoma. Last evaluated: 2024-10-09. Review status: criteria provided, single submitter. Criteria: Invitae Variant Classification Sherloc (09022015). Collection method: clinical testing. Allele origin: germline.
Comment: This sequence change replaces serine, which is neutral and polar, with threonine, which is neutral and polar, at codon 487 of the MET protein (p.Ser487Thr). This variant is not present in population databases (gnomAD no frequency). This variant has not been reported in the literature in individuals affected with MET-related conditions. ClinVar contains an entry for this variant (Variation ID: 819273). An algorithm developed to predict the effect of missense changes on protein structure and function (PolyPhen-2) suggests that this variant is likely to be disruptive. In summary, the available evidence is currently insufficient to determine the role of this variant in disease. Therefore, it has been classified as a Variant of Uncertain Significance.

Baylor Genetics
Classification: Uncertain significance for Autosomal recessive nonsyndromic hearing loss 97. Last evaluated: 2023-11-19. Review status: criteria provided, single submitter. Criteria: ACMG Guidelines, 2015. Collection method: clinical testing. Allele origin: unknown.

NM_000245.4(MET):c.1459T>A (p.Ser487Thr)

Gene: MET (MET proto-oncogene, receptor tyrosine kinase; plus strand). Cytogenetic location: 7q31.2.
Variant type: single nucleotide variant.
Coding change: c.1459T>A on transcript NM_000245.4 (MANE Select); coding-DNA position 1459, T replaced by A.
Protein change: p.Ser487Thr; replaces serine 487 with threonine.
Molecular consequence: missense variant.
Genome position (GRCh38, 1-based): chr7:116,740,016, T>A. VCF-style: chr7-116740016-T-A. GRCh37 (hg19) VCF-style: chr7-116380070-T-A.
Other names: c.1459T>A, p.Ser487Thr (NM_001127500.3, NM_001324401.3); c.169T>A, p.Ser57Thr (NM_001324402.2); short protein forms S57T, S487T.
Identifiers: ClinVar variation 819273 (VCV000819273.8), dbSNP rs1584922045, ClinGen allele CA368974135.